The following is an entry in ClinVar:

ClinVar aggregate classification (germline): Conflicting classifications of pathogenicity. Review status: criteria provided, conflicting classifications (1 of 4 stars). 2 submissions from 2 submitters: Uncertain significance (1); Likely benign (1). Last evaluated 2024-10-09.

Conditions:
Pigmentary pallidal degeneration (NBIA1). Also called: Pantothenate Kinase-Associated Neurodegeneration; Neurodegeneration with brain iron accumulation 1; HARP SYNDROME; PKAN NEUROAXONAL DYSTROPHY, JUVENILE-ONSET; Neuroaxonal dystrophy, late infantile; Hallervorden-Spatz disease. Identifiers: Orphanet 157850, MedGen C0018523, MONDO:0009319, OMIM 234200.

Allele frequency attached by ClinVar (database versions not stated): gnomAD 0.00001.
gnomAD v4.1: 5 of 1,557,220 alleles (0.00032%); highest among the groups gnomAD compares: Non-Finnish European, 0.00043%; no homozygotes.

Submissions (2):

GeneDx
Classification: Uncertain significance. Last evaluated: 2024-10-09. Review status: criteria provided, single submitter. Criteria: GeneDx Variant Classification Process June 2021. Collection method: clinical testing. Allele origin: germline. Affected: yes.
Comment: Not observed at significant frequency in large population cohorts (gnomAD); In silico analysis indicates that this variant does not alter splicing; Has not been previously published as pathogenic or benign to our knowledge

Labcorp Genetics (formerly Invitae), Labcorp
Classification: Likely benign for Pigmentary pallidal degeneration. Last evaluated: 2023-10-04. Review status: criteria provided, single submitter. Criteria: Invitae Variant Classification Sherloc (09022015). Collection method: clinical testing. Allele origin: germline.

NM_001386393.1(PANK2):c.6G>A (p.Gly2=)

Genes: PANK2 (pantothenate kinase 2; plus strand), LOC130065345 (ATAC-STARR-seq lymphoblastoid silent region 12635; plus strand). Cytogenetic location: 20p13.
Variant type: single nucleotide variant.
Coding change: c.6G>A on transcript NM_001386393.1 (MANE Select); coding-DNA position 6, G replaced by A.
Protein change: p.Gly2=; no amino-acid change (glycine 2 retained).
Molecular consequence: synonymous variant. On other transcripts: 5 prime UTR variant (1), non-coding transcript variant (1), intron variant (1).
Genome position (GRCh38, 1-based): chr20:3,889,436, G>A. VCF-style: chr20-3889436-G-A. GRCh37 (hg19) VCF-style: chr20-3870083-G-A.
Other names: c.-706G>A (NM_001324191.2); c.336G>A, p.Gly112= (NM_001324192.1, NM_153638.4); c.-246+532G>A (NM_024960.6); c.336G>A (NM_153638.2).
Identifiers: ClinVar variation 2904702 (VCV002904702.4), dbSNP rs1337186041, ClinGen allele CA509566445.